The following is an entry in ClinVar:

ClinVar aggregate classification (germline): Uncertain significance (1 of 4 stars; one submission).

Conditions:
CFI-related disorder. Also called: CFI-related condition; CFI-related disorders. Identifiers: MedGen CN239325.

Submission:

Genomenon, Inc
Classification: Uncertain significance for CFI-related disorder. Last evaluated: 2025-09-26. Review status: criteria provided, single submitter. Criteria: Genomenon Sequence Variant Interpretation Standards - Updated. Collection method: curation. Allele origin: germline. Affected: no.
Comment: CFI p.Val558Ala (c.1673T>C) is a missense variant that changes the amino acid at residue 558 from Valine to Alanine. This variant has been reported in the published literature (PMID:38320731) It is absent or not present at a significant frequency in gnomAD. In silico models agree that this variant is possibly or probably damaging. In conclusion, we classify CFI p.Val558Ala (c.1673T>C) as a variant of unknown significance.

Literature cited by the submitters: PubMed 38320731.

NM_000204.5(CFI):c.1673T>C (p.Val558Ala)

Gene: CFI (complement factor I; minus strand). Cytogenetic location: 4q25.
Variant type: single nucleotide variant.
Coding change: c.1673T>C on transcript NM_000204.5 (MANE Select); coding-DNA position 1673, T replaced by C.
Protein change: p.Val558Ala; replaces valine 558 with alanine.
Molecular consequence: missense variant. On other transcripts: 3 prime UTR variant (2), non-coding transcript variant (3), intron variant (7).
Genome position (GRCh38, 1-based): chr4:109,740,972, A>G on the plus strand (T>C on the coding strand, the complement: CFI is on the minus strand). VCF-style: chr4-109740972-A-G. GRCh37 (hg19) VCF-style: chr4-110662128-A-G.
Other names: c.1697T>C, p.Val566Ala (NM_001318057.2); c.1652T>C, p.Val551Ala (NM_001331035.2); c.1616T>C, p.Val539Ala (NM_001375283.1); c.1064T>C, p.Val355Ala (NM_001375284.1); c.1694T>C, p.Val565Ala (NM_001440986.1); c.*373T>C (NM_001440989.1, NM_001440991.1); c.1513+1519T>C (NM_001375282.1, NM_001375280.1); c.1534+1519T>C (NM_001375281.1, NM_001375279.1); and 2 more; short protein forms V355A, V539A, V551A, V558A, V565A, V566A.
Identifiers: ClinVar variation 4280560 (VCV004280560.1).